The following is an entry in ClinVar:

ClinVar aggregate classification (germline): Uncertain significance (1 of 4 stars; one submission).

Conditions:
Cardiovascular phenotype. Identifiers: MedGen CN230736.

Submission:

Ambry Genetics
Classification: Uncertain significance for Cardiovascular phenotype. Last evaluated: 2021-04-14. Review status: criteria provided, single submitter. Criteria: Ambry Variant Classification Scheme 2023. Collection method: clinical testing. Allele origin: germline.
Comment: The p.H858R variant (also known as c.2573A>G), located in coding exon 17 of the FLNC gene, results from an A to G substitution at nucleotide position 2573. The histidine at codon 858 is replaced by arginine, an amino acid with highly similar properties. This amino acid position is not well conserved in available vertebrate species, and arginine is the reference amino acid in other vertebrate species. In addition, this alteration is predicted to be tolerated by in silico analysis. Since supporting evidence is limited at this time, the clinical significance of this alteration remains unclear.

NM_001458.5(FLNC):c.2573A>G (p.His858Arg)

Gene: FLNC (filamin C; plus strand). Cytogenetic location: 7q32.1.
Variant type: single nucleotide variant.
Coding change: c.2573A>G on transcript NM_001458.5 (MANE Select); coding-DNA position 2573, A replaced by G.
Protein change: p.His858Arg; replaces histidine 858 with arginine.
Molecular consequence: missense variant.
Genome position (GRCh38, 1-based): chr7:128,843,251, A>G. VCF-style: chr7-128843251-A-G. GRCh37 (hg19) VCF-style: chr7-128483305-A-G.
Other names: c.2573A>G, p.His858Arg (NM_001127487.2); short protein forms H858R.
Identifiers: ClinVar variation 1793272 (VCV001793272.2), dbSNP rs2536633202, ClinGen allele CA369192277.